The following is an entry in ClinVar:

NM_001365088.1(SLC12A6):c.2825G>A (p.Arg942Gln)

Gene: SLC12A6 (solute carrier family 12 member 6; minus strand). Cytogenetic location: 15q14.
Variant type: single nucleotide variant.
Coding change: c.2825G>A on transcript NM_001365088.1 (MANE Select); coding-DNA position 2825, G replaced by A.
Protein change: p.Arg942Gln; replaces arginine 942 with glutamine.
Molecular consequence: missense variant.
Genome position (GRCh38, 1-based): chr15:34,237,528, C>T on the plus strand (G>A on the coding strand, the complement: SLC12A6 is on the minus strand). VCF-style: chr15-34237528-C-T. GRCh37 (hg19) VCF-style: chr15-34529729-C-T.
Other names: c.2648G>A, p.Arg883Gln (NM_001042494.2, NM_001042495.2); c.2798G>A, p.Arg933Gln (NM_001042496.2); c.2780G>A, p.Arg927Gln (NM_001042497.2); c.2672G>A, p.Arg891Gln (NM_005135.2); c.2825G>A, p.Arg942Gln (NM_133647.2); short protein forms R883Q, R891Q, R927Q, R933Q, R942Q.
Identifiers: ClinVar variation 5029591 (VCV005029591.1).

ClinVar aggregate classification (germline): Uncertain significance (1 of 4 stars; one submission).

Conditions:
Inborn genetic diseases. Identifiers: MedGen C0950123, MeSH D030342.

gnomAD v4.1: 8 of 1,612,218 alleles (0.0005%); highest among the groups gnomAD compares: Non-Finnish European, 0.000085%; no homozygotes.

Submission:

Ambry Genetics
Classification: Uncertain significance for Inborn genetic diseases. Last evaluated: 2026-06-17. Review status: criteria provided, single submitter. Criteria: Ambry Variant Classification Scheme 2023. Collection method: clinical testing. Allele origin: germline.
Comment: The c.2825G>A (p.R942Q) alteration is located in exon 21 (coding exon 21) of the SLC12A6 gene. This alteration results from a G to A substitution at nucleotide position 2825, causing the arginine (R) at amino acid position 942 to be replaced by a glutamine (Q). Based on data from gnomAD, the A allele has an overall frequency of 0.001% (4/282738) total alleles studied. The highest observed frequency was 0.012% (3/25098) of European (Finnish) alleles. Based on insufficient or conflicting evidence, the clinical significance of this alteration remains unclear.